The following continues an entry in ClinVar:

NM_000157.4(GBA1):c.680A>G (p.Asn227Ser)

ClinVar aggregate classification (germline): Pathogenic. Pathogenic (15).

Submissions 8 to 18 of 18:

Women's Health and Genetics/Laboratory Corporation of America, LabCorp
Classification: Pathogenic for Gaucher disease. Last evaluated: 2022-03-04. Review status: criteria provided, single submitter. Criteria: LabCorp Variant Classification Summary - May 2015. Collection method: clinical testing. Allele origin: germline.
Comment: Variant summary: GBA c.680A>G (p.Asn227Ser) results in a conservative amino acid change located in the Glycosyl hydrolase family 30, TIM-barrel domain of the encoded protein sequence. Three of five in-silico tools predict a benign effect of the variant on protein function. The variant allele was found at a frequency of 7.2e-05 in 251308 control chromosomes. This frequency is not significantly higher than expected for a pathogenic variant in GBA causing Gaucher Disease (7.2e-05 vs 0.005), allowing no conclusion about variant significance. The variant has been reported in the homozygous and compound heterozygous genotypes in numerous publications of patients with Gaucher Disease and has also been reported in patients in cis with a second variant E326K (example, Alfonso_2007, Biegstraaten_2011, Erdos_2007, Jeong_2011, Tajima_2010). The variant has been shown to result in moderate reductions in enzyme activity via various expression systems (~25%-66% residual activity; Malini_2014, Tajima_2010, Montfort_2004). While the E326K variant does not have a significant effect on enzyme activity in these studies (and has not been observed in GD patients on its own), the addition of the variant of interest resulted in greater effects on activity (completely inactive in one study, 25% residual activity in a second study). Despite the high residual activity reported in these studies, patients with a rare myoclonic epilepsy phenoptype have also been reported in association with the variant (Kowarz_2005). This report indicates incomplete penetrance and/or variable expressivity, even in individuals having near identical genetic sequence. Two clinical diagnostic laboratories have submitted clinical-significance assessments for this variant to ClinVar after 2014 without evidence for independent evaluation. One of these submitters cites overlapping evidences utilized in the context of this evaluation. Both submitters classified the variant as pathogenic. Based on the evidence outlined above, the variant was re-classified as pathogenic mindful of the caveats of penetrance and expressivity summarized above.

Fulgent Genetics
Classification: Pathogenic for Lewy body dementia; Parkinson disease, late-onset; Gaucher disease type I; Gaucher disease type II; Gaucher disease type III; Gaucher disease-ophthalmoplegia-cardiovascular calcification syndrome; Gaucher disease perinatal lethal. Last evaluated: 2021-12-27. Review status: criteria provided, single submitter. Criteria: ACMG Guidelines, 2015. Collection method: clinical testing. Allele origin: unknown.

CENTOGENE GmbH and LLC - Guiding Precision Medicine
Classification: Pathogenic for Gaucher disease type I. Last evaluated: 2021-10-25. Review status: criteria provided, single submitter. Criteria: ACMG Guidelines, 2015. Collection method: clinical testing. Allele origin: germline. Affected: yes.

Broad Center for Mendelian Genomics, Broad Institute of MIT and Harvard
Classification: Pathogenic for Gaucher disease. Last evaluated: 2020-01-14. Review status: criteria provided, single submitter. Criteria: ACMG Guidelines, 2015. Collection method: curation. Allele origin: germline. Inheritance: Autosomal recessive inheritance.
Comment: The p.Asn227Ser variant in GBA has been reported in at least 28 individuals with Gaucher disease, segregated with disease in 4 affected relatives from 2 families (PMID: 20004867, 12595585, 8829654, 20729108, 17395504, 30497978, 27872820, 24022302, 30382391, 15146461, 16086325, 21056933), has been identified in 0.020% (5/24920) of African chromosomes by the Genome Aggregation Database (gnomAD; dbSNP rs364897). Although this variant has been seen in the general population, its frequency is low enough to be consistent with a recessive carrier frequency. This variant has also been reported pathogenic by EGL Genetic Diagnostics and OMIM, and likely pathogenic by Integrated Genetics in ClinVar (Variation ID: 4314). Twins that are monozygous and homozygous for this variant show different clinical presentations, suggesting that there may be incomplete penetrance or variable expressivity associated with this variant. In vitro functional studies provide some evidence that the p.Asn227Ser variant may slightly impact protein function either alone or in cis with another pathogenic variant (PMID: 20004867, 26743617, 27865684, 30497978, 15146461, 24022302). However, these types of assays may not accurately represent biological function. The presence of this variant in 3 affected homozygotes and in combination with at least 7 reported pathogenic variants and in 14 individuals with Gaucher disease increases the likelihood that the p.Asn227Ser variant is pathogenic (PMID: 8829654, 21056933, 12595585, 8829654, 20729108, 30497978, 27872820, 16086325; VariationID: 4302, 4288, 93459, 4290, 99352, 76478, 4297). The phenotype of individuals homozygous and heterozygous for this variant is highly specific for Gaucher disease based on low glucocerebrosidase activity consistent with Gaucher disease (PMID: 30382391, 16086325, 21056933). In summary, this variant meets criteria to be classified as pathogenic for Gaucher disease in an autosomal recessive manner with incomplete penetrance or variable expressivity based on multiple occurrences with pathogenic GBA variants in individuals with Gaucher Disease. ACMG/AMP Criteria applied: PM3_very-strong, PM5, PM2_supporting, PS3_supporting, PP4, PP1 (Richards 2015).

Eurofins Ntd Llc (ga)
Classification: Pathogenic. Last evaluated: 2017-02-23. Review status: criteria provided, single submitter. Criteria: EGL Classification Definitions 2015. Collection method: clinical testing. Allele origin: germline. Observed: 6 variant alleles, 6 heterozygotes.

Baylor Genetics
Classification: Pathogenic for Gaucher disease type I; Gaucher disease type II; Gaucher disease type III; Gaucher disease-ophthalmoplegia-cardiovascular calcification syndrome. Review status: criteria provided, single submitter. Criteria: ACMG Guidelines, 2015. Collection method: clinical testing. Allele origin: germline.

Juno Genomics, Hangzhou Juno Genomics, Inc
Classification: Pathogenic for Lewy body dementia; Parkinson disease, late-onset; Gaucher disease perinatal lethal; Gaucher disease type I; Gaucher disease type II; Gaucher disease type III; Gaucher disease-ophthalmoplegia-cardiovascular calcification syndrome. Review status: criteria provided, single submitter. Criteria: ACMG Guidelines, 2015. Collection method: clinical testing. Allele origin: germline. Affected: yes.
Comment: Absent from controls (or at extremely low frequency if recessive) in Genome Aggregation Database, Exome Sequencing Project, 1000 Genomes Project, or Exome Aggregation Consortium.;For recessive disorders, detected in trans with a pathogenic variant.;Co-segregation with disease in multiple affected family members in a gene definitively known to cause the disease.;Patient's phenotype or family history is highly specific for a disease with a single genetic etiology.;Novel missense change at an amino acid residue where a different missense change determined to be pathogenic has been seen before.;Well-established in vitro or in vivo functional studies supportive of a damaging effect on the gene or gene product.

Neuberg Centre For Genomic Medicine, NCGM
Classification: Pathogenic for Gaucher disease type II. Review status: criteria provided, single submitter. Criteria: ACMG Guidelines, 2015. Collection method: clinical testing. Allele origin: germline. Inheritance: Autosomal recessive inheritance. Affected: yes.
Comment: The missense c.680A>G(p.Asn227Ser) variant in GBA gene has been reported previously in compound heterozygous and homozygous states in multiple individuals affected with Gaucher disease (Tonin R, et al., 2019; Rim JH, et al., 2016; Biegstraaten M, et al., 2011; Erdos M, et al., 2007). This variant has also been observed to segregate with disease in related individuals. Experimental studies have shown that this missense change affects GBA function (Tajima A, et al., 2010). The p.Asn227Ser variant is present with allele frequency of 0.007% in gnomAD Exomes. This variant has been reported to the ClinVar database as Pathogenic (multiple submissions). Multiple lines of computational evidences (Polyphen - Benign, SIFT - Tolerated and MutationTaster - Disease causing) predict conflicting evidence on protein structure and function for this variant. The reference amino acid at this position on GBA gene s predicted as conserved by GERP++ and PhyloP across 100 vertebrates. The amino acid Asn at position 227 is changed to a Ser changing protein sequence and it might alter its composition and physico-chemical properties. For these reasons, this variant has been classified as Pathogenic.

OMIM
Classification: Pathogenic for GAUCHER DISEASE, TYPE I. Last evaluated: 2004-06-01. Review status: no assertion criteria provided. Collection method: literature only. Allele origin: germline. Not counted in ClinVar's aggregate classification.

OMIM
Classification: Pathogenic for GAUCHER DISEASE, TYPE III. Last evaluated: 2004-06-01. Review status: no assertion criteria provided. Collection method: literature only. Allele origin: germline. Not counted in ClinVar's aggregate classification.

GeneReviews
No classification provided. Condition: Gaucher disease. Review status: no classification provided. Collection method: literature only. Allele origin: germline. Not counted in ClinVar's aggregate classification.

Literature cited by the submitters: PubMed 27856178 (cited by Natera, Inc.); PubMed 28727984 (cited by Natera, Inc.); PubMed 26709268 (cited by Natera, Inc. and Labcorp Genetics (formerly Invitae), Labcorp); PubMed 8829654 (cited by 4 submitters); PubMed 21056933 (cited by 3 submitters); PubMed 22387070 (cited by Labcorp Genetics (formerly Invitae), Labcorp); PubMed 15146461 (cited by 6 submitters); PubMed 20004867 (cited by 5 submitters); PubMed 24022302 (cited by 4 submitters); PubMed 33176831 (cited by Variantyx, Inc.); PubMed 34779914 (cited by Variantyx, Inc.); PubMed 35861376 (cited by Variantyx, Inc.); PubMed 32677286 (cited by Variantyx, Inc.); PubMed 20729108 (cited by Women's Health and Genetics/Laboratory Corporation of America, LabCorp and Broad Center for Mendelian Genomics, Broad Institute of MIT and Harvard); PubMed 17395504 (cited by Women's Health and Genetics/Laboratory Corporation of America, LabCorp and Broad Center for Mendelian Genomics, Broad Institute of MIT and Harvard); PubMed 16086325 (cited by Women's Health and Genetics/Laboratory Corporation of America, LabCorp and Broad Center for Mendelian Genomics, Broad Institute of MIT and Harvard); PubMed 17427031 (cited by Women's Health and Genetics/Laboratory Corporation of America, LabCorp); PubMed 30382391 (cited by Broad Center for Mendelian Genomics, Broad Institute of MIT and Harvard); PubMed 12595585 (cited by Broad Center for Mendelian Genomics, Broad Institute of MIT and Harvard and OMIM); PubMed 30497978 (cited by Broad Center for Mendelian Genomics, Broad Institute of MIT and Harvard); PubMed 27872820 (cited by Broad Center for Mendelian Genomics, Broad Institute of MIT and Harvard and Eurofins Ntd Llc (ga)); PubMed 26743617 (cited by Broad Center for Mendelian Genomics, Broad Institute of MIT and Harvard); PubMed 27865684 (cited by Broad Center for Mendelian Genomics, Broad Institute of MIT and Harvard).